The following is an entry in ClinVar:

ClinVar aggregate classification (germline): Uncertain significance. Review status: criteria provided, multiple submitters, no conflicts (2 of 4 stars). 9 submissions from 9 submitters: Uncertain significance (8). 1 of the submissions does not count toward it. Last evaluated 2026-01-02.

Conditions:
CHEK2-related disorder.
Hereditary cancer-predisposing syndrome. Also called: Hereditary Cancer Syndrome; Neoplastic Syndromes, Hereditary; Hereditary neoplastic syndrome; Tumor predisposition. Identifiers: Orphanet 140162, MedGen C0027672, MeSH D009386, MONDO:0015356.
Familial cancer of breast. Also called: BREAST CANCER, FAMILIAL; Hereditary breast cancer; hereditary breast carcinoma. Identifiers: Orphanet 227535, MedGen C0346153, MONDO:0016419, OMIM 114480. Disease mechanism: loss of function.

Allele frequency attached by ClinVar (database versions not stated): TOPMed below 0.00001; gnomAD 0.00001 and 0.00002; gnomAD exomes 0.00001; ExAC 0.00002.
gnomAD v4.1: 7 of 1,613,800 alleles (0.00043%); highest among the groups gnomAD compares: South Asian, 0.0022%; no homozygotes.

Submissions (9):

Labcorp Genetics (formerly Invitae), Labcorp
Classification: Uncertain significance for Familial cancer of breast. Last evaluated: 2026-01-02. Review status: criteria provided, single submitter. Criteria: Invitae Variant Classification Sherloc (09022015). Collection method: clinical testing. Allele origin: germline.
Comment: This sequence change replaces cysteine, which is neutral and slightly polar, with arginine, which is basic and polar, at codon 385 of the CHEK2 protein (p.Cys385Arg). This variant is present in population databases (rs587782817, gnomAD 0.004%). This missense change has been observed in individual(s) with breast cancer (PMID: 29522266). ClinVar contains an entry for this variant (Variation ID: 142917). An algorithm developed to predict the effect of missense changes on protein structure and function (PolyPhen-2) suggests that this variant is likely to be disruptive. Experimental studies have shown that this missense change affects CHEK2 function (PMID: 30851065, 37449874). In summary, the available evidence is currently insufficient to determine the role of this variant in disease. Therefore, it has been classified as a Variant of Uncertain Significance.

Ambry Genetics
Classification: Uncertain significance for Hereditary cancer-predisposing syndrome. Last evaluated: 2025-01-06. Review status: criteria provided, single submitter. Criteria: Ambry Variant Classification Scheme 2023. Collection method: clinical testing. Allele origin: germline.
Comment: The p.C385R variant (also known as c.1153T>C), located in coding exon 10 of the CHEK2 gene, results from a T to C substitution at nucleotide position 1153. The cysteine at codon 385 is replaced by arginine, an amino acid with highly dissimilar properties. This alteration behaved as non-functional in an in vivo, yeast-based growth rate assay (Delimitsou A et al. Hum Mutat. 2019 05;40:631-648). This alteration was reported as functionally impaired in a study assessing CHEK2-complementation through quantification of KAP1 phosphorylation and CHK2 autophosphorylation in human RPE1-CHEK2-knockout cells (Stolarova L et al. Clin Cancer Res. 2023 Aug;29:3037-3050). This amino acid position is highly conserved in available vertebrate species. In addition, this alteration is predicted to be deleterious by in silico analysis. Based on the available evidence, the clinical significance of this variant remains unclear.

Women's Health and Genetics/Laboratory Corporation of America, LabCorp
Classification: Uncertain significance. Last evaluated: 2024-09-26. Review status: criteria provided, single submitter. Criteria: LabCorp Variant Classification Summary - May 2015. Collection method: clinical testing. Allele origin: germline.
Comment: Variant summary: CHEK2 c.1153T>C (p.Cys385Arg) results in a non-conservative amino acid change in the encoded protein sequence. Five of five in-silico tools predict a damaging effect of the variant on protein function. The variant allele was found at a frequency of 1.2e-05 in 251004 control chromosomes (gnomAD). To our knowledge, no occurrence of c.1153T>C in individuals affected with Hereditary Breast And Ovarian Cancer Syndrome has been reported. At least two publications report experimental evidence evaluating an impact on protein function. The variant effect results in reducing normal activity (Delimitsou_2019, Stolarova_2023). The following publications have been ascertained in the context of this evaluation (PMID: 31398194, 30851065, 37449874). ClinVar contains an entry for this variant (Variation ID: 142917). Based on the evidence outlined above, the variant was classified as VUS-possibly pathogenic.

Mayo Clinic Laboratories, Mayo Clinic
Classification: Uncertain significance. Last evaluated: 2024-07-19. Review status: criteria provided, single submitter. Criteria: ACMG Guidelines, 2015. Collection method: clinical testing. Allele origin: germline. Observed: 1 variant allele.
Comment: PM2, PS3_supporting

GeneDx
Classification: Uncertain significance. Last evaluated: 2024-07-15. Review status: criteria provided, single submitter. Criteria: GeneDx Variant Classification Process June 2021. Collection method: clinical testing. Allele origin: germline. Affected: yes.
Comment: Not observed at significant frequency in large population cohorts (gnomAD); In silico analysis supports that this missense variant has a deleterious effect on protein structure/function; Published functional studies suggest a damaging effect: loss of CHEK2-mediated DNA damage response in yeast assays as well as impaired autophosphorylation and kinase activity in human cell-based assays (PMID: 30851065, 37449874); This variant is associated with the following publications: (PMID: 31398194, 32826389, 22419737, 19782031, 37449874, 30851065, 29522266)

Myriad Genetics, Inc.
Classification: Uncertain significance for Familial cancer of breast. Last evaluated: 2023-03-08. Review status: criteria provided, single submitter. Criteria: Myriad Autosomal Dominant, Autosomal Recessive and X-Linked Classification Criteria (2023). Collection method: clinical testing. Allele origin: unknown.
Comment: This variant is classified as a variant of uncertain significance as there is insufficient evidence to determine its impact on protein function and/or cancer risk.

PreventionGenetics, part of Exact Sciences
Classification: Uncertain significance for CHEK2-related condition. Last evaluated: 2023-01-31. Review status: criteria provided, single submitter. Criteria: ACMG Guidelines, 2015. Collection method: clinical testing. Allele origin: germline.
Comment: The CHEK2 c.1153T>C variant is predicted to result in the amino acid substitution p.Cys385Arg. To our knowledge, this variant has not been reported in the literature in any patients affected with CHEK2-related conditions. It has, however, been reported as a damaging variant in a yeast-based functional assay (Delimitsou et al. 2019. PubMed I: 30851065). This variant is reported in 0.0040% of alleles in individuals of African descent in gnomAD. It is interpreted as a variant of uncertain significance in ClinVar. At this time, the clinical significance of this variant is uncertain due to the absence of conclusive functional and genetic evidence.

Color Diagnostics, LLC DBA Color Health
Classification: Uncertain significance for Hereditary cancer-predisposing syndrome. Last evaluated: 2021-04-08. Review status: criteria provided, single submitter. Criteria: ACMG Guidelines, 2015. Collection method: clinical testing. Allele origin: germline.
Comment: This missense variant replaces cysteine with arginine at codon 385 of the CHEK2 protein. Computational prediction suggests that this variant may have deleterious impact on protein structure and function (internally defined REVEL score threshold >= 0.7, PMID: 27666373, 31398194). A functional study has demonstrated this variant to be damaging in a yeast based DNA damage response assay (PMID: 30851065). This variant has not been reported in individuals affected with hereditary cancer in the literature. This variant has been identified in 4/282412 chromosomes in the general population by the Genome Aggregation Database (gnomAD). The available evidence is insufficient to determine the role of this variant in disease conclusively. Therefore, this variant is classified as a Variant of Uncertain Significance.

Counsyl
Classification: Uncertain significance for Familial cancer of breast. Last evaluated: 2017-10-19. Review status: no assertion criteria provided. Collection method: clinical testing. Allele origin: unknown. Not counted in ClinVar's aggregate classification.

Literature cited by the submitters: PubMed 29522266 (cited by Labcorp Genetics (formerly Invitae), Labcorp and Mayo Clinic Laboratories, Mayo Clinic); PubMed 30851065 (cited by 4 submitters); PubMed 37449874 (cited by 4 submitters); PubMed 31398194 (cited by Women's Health and Genetics/Laboratory Corporation of America, LabCorp).

NM_007194.4(CHEK2):c.1153T>C (p.Cys385Arg)

Gene: CHEK2 (checkpoint kinase 2; minus strand). Cytogenetic location: 22q12.1.
Variant type: single nucleotide variant.
Coding change: c.1153T>C on transcript NM_007194.4 (MANE Select); coding-DNA position 1153, T replaced by C.
Protein change: p.Cys385Arg; replaces cysteine 385 with arginine.
Molecular consequence: missense variant.
Genome position (GRCh38, 1-based): chr22:28,695,816, A>G on the plus strand (T>C on the coding strand, the complement: CHEK2 is on the minus strand). VCF-style: chr22-28695816-A-G. GRCh37 (hg19) VCF-style: chr22-29091804-A-G.
Other names: p.Cys385Arg; c.1282T>C, p.Cys428Arg (NM_001005735.3); c.490T>C, p.Cys164Arg (NM_001257387.3); c.952T>C, p.Cys318Arg (NM_001349956.3); c.1066T>C, p.Cys356Arg (NM_145862.3); short protein forms C385R, C428R, C356R, C164R, C318R.
Identifiers: ClinVar variation 142917 (VCV000142917.26), dbSNP rs587782817, ClinGen allele CA169759.
Genomic context (GRCh38, chr22:28,695,816, plus strand): 5'-TATACCCAGCAGTCCCAACAGAAACAAGAACTTCAGGCGCCAAGTAGGTGGGGGTTCCAC[A>G]TAAGGTTCTCATGAGAGAGGTCTCTCCCAAAATCTTGGAGTGCCCAAAATCAGTAATCTA-3'
Protein context (NP_009125.1, residues 375-395): LGETSLMRTL[Cys385Arg]GTPTYLAPEV